The following is an entry in ClinVar:

ClinVar aggregate classification (germline): Uncertain significance (1 of 4 stars; one submission).

Submission:

GeneDx
Classification: Uncertain significance. Last evaluated: 2024-04-18. Review status: criteria provided, single submitter. Criteria: GeneDx Variant Classification Process June 2021. Collection method: clinical testing. Allele origin: germline. Affected: yes.
Comment: Not observed at significant frequency in large population cohorts (gnomAD); In silico analysis indicates that this missense variant does not alter protein structure/function; Has not been previously published as pathogenic or benign to our knowledge

NM_004456.5(EZH2):c.1801A>G (p.Ser601Gly)

Gene: EZH2 (enhancer of zeste 2 polycomb repressive complex 2 subunit; minus strand). Cytogenetic location: 7q36.1.
Variant type: single nucleotide variant.
Coding change: c.1801A>G on transcript NM_004456.5 (MANE Select); coding-DNA position 1801, A replaced by G.
Protein change: p.Ser601Gly; replaces serine 601 with glycine.
Molecular consequence: missense variant.
Genome position (GRCh38, 1-based): chr7:148,814,009, T>C on the plus strand (A>G on the coding strand, the complement: EZH2 is on the minus strand). VCF-style: chr7-148814009-T-C. GRCh37 (hg19) VCF-style: chr7-148511101-T-C.
Other names: c.1786A>G, p.Ser596Gly (NM_001203247.2); c.1759A>G, p.Ser587Gly (NM_001203248.2); c.1633A>G, p.Ser545Gly (NM_001203249.2); c.1669A>G, p.Ser557Gly (NM_152998.3); short protein forms S545G, S557G, S587G, S596G, S601G.
Identifiers: ClinVar variation 3372431 (VCV003372431.1).